The following is an entry in ClinVar:

ClinVar aggregate classification (germline): Uncertain significance (1 of 4 stars; one submission).

Submission:

GeneDx
Classification: Uncertain significance. Last evaluated: 2022-07-30. Review status: criteria provided, single submitter. Criteria: GeneDx Variant Classification Process June 2021. Collection method: clinical testing. Allele origin: germline. Affected: yes.
Comment: Not observed at significant frequency in large population cohorts (gnomAD); In silico analysis supports that this missense variant does not alter protein structure/function; Has not been previously published as pathogenic or benign to our knowledge

NM_006563.5(KLF1):c.424G>A (p.Ala142Thr)

Genes: KLF1 (KLF transcription factor 1; minus strand), LOC130063673 (ATAC-STARR-seq lymphoblastoid silent region 10180; plus strand). Cytogenetic location: 19p13.13.
Variant type: single nucleotide variant.
Coding change: c.424G>A on transcript NM_006563.5 (MANE Select); coding-DNA position 424, G replaced by A.
Protein change: p.Ala142Thr; replaces alanine 142 with threonine.
Molecular consequence: missense variant.
Genome position (GRCh38, 1-based): chr19:12,885,806, C>T on the plus strand (G>A on the coding strand, the complement: KLF1 is on the minus strand). VCF-style: chr19-12885806-C-T. GRCh37 (hg19) VCF-style: chr19-12996620-C-T.
Other names: short protein forms A142T.
Identifiers: ClinVar variation 2428948 (VCV002428948.4), dbSNP rs2512556070, ClinGen allele CA404309367.